The following is an entry in ClinVar:

ClinVar aggregate classification (germline): Conflicting classifications of pathogenicity. Review status: criteria provided, conflicting classifications (1 of 4 stars). 2 submissions from 2 submitters: Uncertain significance (1); Likely benign (1). Last evaluated 2025-11-08.

Conditions:
Inborn genetic diseases. Identifiers: MedGen C0950123, MeSH D030342.
Hereditary spastic paraplegia 31. Also called: SPASTIC PARAPLEGIA 31, AUTOSOMAL DOMINANT. Identifiers: Orphanet 101011, MedGen C1853247, MONDO:0012453, OMIM 610250.

Allele frequency attached by ClinVar (database versions not stated): TOPMed 0.00002; ExAC 0.00003; gnomAD 0.00005; gnomAD exomes 0.00005.
gnomAD v4.1: 126 of 1,612,482 alleles (0.0078%); highest among the groups gnomAD compares: Middle Eastern, 0.016%; no homozygotes.

Submissions (2):

Labcorp Genetics (formerly Invitae), Labcorp
Classification: Uncertain significance for Hereditary spastic paraplegia 31. Last evaluated: 2025-11-08. Review status: criteria provided, single submitter. Criteria: Invitae Variant Classification Sherloc (09022015). Collection method: clinical testing. Allele origin: germline.
Comment: This sequence change replaces glycine, which is neutral and non-polar, with serine, which is neutral and polar, at codon 183 of the REEP1 protein (p.Gly183Ser). This variant is present in population databases (rs768890728, gnomAD 0.01%). This missense change has been observed in individuals with hereditary motor neuropathy (PMID: 30373780). This variant is also known as c.568G>A, p.Gly190Ser. ClinVar contains an entry for this variant (Variation ID: 215083). An algorithm developed to predict the effect of missense changes on protein structure and function outputs the following: PolyPhen-2: "Probably Damaging". The serine amino acid residue is found in multiple mammalian species, which suggests that this missense change does not adversely affect protein function. In summary, the available evidence is currently insufficient to determine the role of this variant in disease. Therefore, it has been classified as a Variant of Uncertain Significance.

Ambry Genetics
Classification: Likely benign for Inborn genetic diseases. Last evaluated: 2019-08-30. Review status: criteria provided, single submitter. Criteria: Ambry Variant Classification Scheme 2023. Collection method: clinical testing. Allele origin: germline.

Literature cited by the submitters: PubMed 30373780 (cited by Labcorp Genetics (formerly Invitae), Labcorp and Ambry Genetics).

NM_001371279.1(REEP1):c.547G>A (p.Gly183Ser)

Gene: REEP1 (receptor accessory protein 1; minus strand). Cytogenetic location: 2p11.2.
Variant type: single nucleotide variant.
Coding change: c.547G>A on transcript NM_001371279.1 (MANE Select); coding-DNA position 547, G replaced by A.
Protein change: p.Gly183Ser; replaces glycine 183 with serine.
Molecular consequence: missense variant. On other transcripts: synonymous variant (1), intron variant (1).
Genome position (GRCh38, 1-based): chr2:86,232,673, C>T on the plus strand (G>A on the coding strand, the complement: REEP1 is on the minus strand). VCF-style: chr2-86232673-C-T. GRCh37 (hg19) VCF-style: chr2-86459796-C-T.
Other names: c.568G>A, p.Gly190Ser (NM_001164730.2); c.466G>A, p.Gly156Ser (NM_001164731.2); c.312G>A, p.Thr104= (NM_001164732.2); c.547G>A, p.Gly183Ser (NM_022912.3); c.418-15563G>A (NM_001371280.1); short protein forms G183S, G190S, G156S.
Identifiers: ClinVar variation 215083 (VCV000215083.11), dbSNP rs768890728, ClinGen allele CA323435.